The following is an entry in ClinVar:

ClinVar aggregate classification (germline): Uncertain significance (1 of 4 stars; one submission).

gnomAD v4.1: 2 of 1,611,244 alleles (0.00012%); highest among the groups gnomAD compares: Non-Finnish European, 0.00017%; no homozygotes.

Submission:

GeneDx
Classification: Uncertain significance. Last evaluated: 2024-02-13. Review status: criteria provided, single submitter. Criteria: GeneDx Variant Classification Process June 2021. Collection method: clinical testing. Allele origin: germline. Affected: yes.
Comment: Not observed at significant frequency in large population cohorts (gnomAD); In silico analysis supports that this missense variant has a deleterious effect on protein structure/function; Has not been previously published as pathogenic or benign to our knowledge

NM_000089.4(COL1A2):c.3527G>A (p.Gly1176Asp)

Gene: COL1A2 (collagen type I alpha 2 chain; plus strand). Cytogenetic location: 7q21.3.
Variant type: single nucleotide variant.
Coding change: c.3527G>A on transcript NM_000089.4 (MANE Select); coding-DNA position 3527, G replaced by A.
Protein change: p.Gly1176Asp; replaces glycine 1176 with aspartic acid.
Molecular consequence: missense variant.
Genome position (GRCh38, 1-based): chr7:94,428,293, G>A. VCF-style: chr7-94428293-G-A. GRCh37 (hg19) VCF-style: chr7-94057605-G-A.
Other names: short protein forms G1176D.
Identifiers: ClinVar variation 3369192 (VCV003369192.1).